The following is an entry in ClinVar:

NM_000373.4(UMPS):c.334A>G (p.Thr112Ala)

Gene: UMPS (uridine monophosphate synthetase; plus strand). Cytogenetic location: 3q21.2.
Variant type: single nucleotide variant.
Coding change: c.334A>G on transcript NM_000373.4 (MANE Select); coding-DNA position 334, A replaced by G.
Protein change: p.Thr112Ala; replaces threonine 112 with alanine.
Molecular consequence: missense variant. On other transcripts: non-coding transcript variant (2).
Genome position (GRCh38, 1-based): chr3:124,737,591, A>G. VCF-style: chr3-124737591-A-G. GRCh37 (hg19) VCF-style: chr3-124456438-A-G.
Other names: short protein forms T112A.
Identifiers: ClinVar variation 1523090 (VCV001523090.6), dbSNP rs2150896247, ClinGen allele CA354272709.
Genomic context (GRCh38, chr3:124,737,591, plus strand): 5'-TTTAAATTTGGAATCAGCAAAATTTTTTCTTTTCTAGGAACTAAGCGTCTTGTAGAAGGA[A>G]CTATTAATCCAGGAGAAACCTGTTTAATCATTGAAGATGTTGTCACCAGTGGATCTAGTG-3'
Protein context (NP_000364.1, residues 102-122): DYGTKRLVEG[Thr112Ala]INPGETCLII

ClinVar aggregate classification (germline): Uncertain significance (1 of 4 stars; one submission).

Conditions:
Hereditary orotic aciduria, type 1. Also called: Orotic aciduria type 1; Oroticaciduria 1. Identifiers: MedGen C0268130.

Submission:

Labcorp Genetics (formerly Invitae), Labcorp
Classification: Uncertain significance for Hereditary orotic aciduria, type 1. Last evaluated: 2021-10-06. Review status: criteria provided, single submitter. Criteria: Invitae Variant Classification Sherloc (09022015). Collection method: clinical testing. Allele origin: germline.
Comment: In summary, the available evidence is currently insufficient to determine the role of this variant in disease. Therefore, it has been classified as a Variant of Uncertain Significance. Algorithms developed to predict the effect of missense changes on protein structure and function output the following: SIFT: "Tolerated"; PolyPhen-2: "Benign"; Align-GVGD: "Class C0". The alanine amino acid residue is found in multiple mammalian species, which suggests that this missense change does not adversely affect protein function. This variant has not been reported in the literature in individuals affected with UMPS-related conditions. This variant is not present in population databases (ExAC no frequency). This sequence change replaces threonine with alanine at codon 112 of the UMPS protein (p.Thr112Ala). The threonine residue is weakly conserved and there is a small physicochemical difference between threonine and alanine.